The following is an entry in ClinVar:

ClinVar aggregate classification (germline): Uncertain significance (1 of 4 stars; one submission).

Submission:

GeneDx
Classification: Uncertain significance. Last evaluated: 2024-12-02. Review status: criteria provided, single submitter. Criteria: GeneDx Variant Classification Process June 2021. Collection method: clinical testing. Allele origin: germline. Affected: yes.
Comment: Not observed at significant frequency in large population cohorts (gnomAD); In silico analysis supports that this missense variant has a deleterious effect on protein structure/function; Has not been previously published as pathogenic or benign to our knowledge

NM_017934.7(PHIP):c.2096G>A (p.Arg699Gln)

Gene: PHIP (PHIP subunit of CUL4-Ring ligase complex; minus strand). Cytogenetic location: 6q14.1.
Variant type: single nucleotide variant.
Coding change: c.2096G>A on transcript NM_017934.7 (MANE Select); coding-DNA position 2096, G replaced by A.
Protein change: p.Arg699Gln; replaces arginine 699 with glutamine.
Molecular consequence: missense variant.
Genome position (GRCh38, 1-based): chr6:78,997,519, C>T on the plus strand (G>A on the coding strand, the complement: PHIP is on the minus strand). VCF-style: chr6-78997519-C-T. GRCh37 (hg19) VCF-style: chr6-79707236-C-T.
Other names: short protein forms R699Q.
Identifiers: ClinVar variation 3900781 (VCV003900781.1).
Genomic context (GRCh38, chr6:78,997,519, plus strand): 5'-CAAGCTACCAGATCCCGCTCTGTGGCTATTTCACTTCTTGGTGCGTTGCTGTGCATTTGC[C>T]GTACACCTTCAATTTGTCCACTACGTCTTAGTCCTACGTTTGGTGGTGAATGAACCTCTG-3'
Protein context (NP_060404.4, residues 689-709): LRRSGQIEGV[Arg699Gln]QMHSNAPRSE